The following is an entry in ClinVar:

ClinVar aggregate classification (germline): Likely pathogenic (1 of 4 stars; one submission).

Conditions:
Nemaline myopathy 2 (NEM2). Also called: Nemaline myopathy 2, autosomal recessive. Identifiers: MedGen C1850569, MONDO:0009725, OMIM 256030.

Submission:

Natera, Inc.
Classification: Likely pathogenic for Nemaline myopathy type 2. Last evaluated: 2025-01-22. Review status: criteria provided, single submitter. Criteria: Natera Variant Classification Schema (03/2026). Collection method: clinical testing. Allele origin: germline.
Comment: The c.18378_18379delinsT variant in NEB is a frameshift variant predicted to shift the reading frame beginning at codon 6126 and leads to a stop codon 65 codons downstream. This variant is expected to result in nonsense mediated decay, truncation, or a dysfunctional protein product. This variant is rare in the general population with a frequency below the threshold expected for the associated phenotype(s). Given the available evidence, this variant is classified as Likely Pathogenic.

NM_001164508.2(NEB):c.18378_18379delinsT (p.Lys6126fs)

Gene: NEB (nebulin; minus strand). Cytogenetic location: 2q23.3.
Variant type: Indel.
Coding change: c.18378_18379delinsT on transcript NM_001164508.2 (MANE Select); coding-DNA positions 18378 to 18379, AG replaced by T.
Protein change: p.Lys6126fs; shifts the reading frame from lysine 6126.
Molecular consequence: frameshift variant.
Genome position (GRCh38, 1-based): chr2:151,565,136-151,565,137, CT replaced by A on the plus strand (AG replaced by T on the coding strand, the reverse complement: NEB is on the minus strand). VCF-style: chr2-151565136-CT-A. GRCh37 (hg19) VCF-style: chr2-152421650-CT-A.
Other names: c.18378_18379delinsT, p.Lys6126fs (NM_001164507.2, NM_001271208.2); c.18378_18379delAGinsT, p.Lys6126Asnfs (NM_001271208.1); c.13275_13276delinsT, p.Lys4425fs (NM_004543.5); short protein forms K4425fs, K6126fs.
Identifiers: ClinVar variation 4814739 (VCV004814739.1).